The following is an entry in ClinVar:

NM_001172509.2(SATB2):c.1276_1277inv (p.Glu426Ser)

Gene: SATB2 (SATB homeobox 2; minus strand). Cytogenetic location: 2q33.1.
Variant type: Inversion.
Coding change: c.1276_1277inv on transcript NM_001172509.2 (MANE Select).
Protein change: p.Glu426Ser; replaces glutamic acid 426 with serine.
Molecular consequence: missense variant.
Genome position: GRCh38 VCF-style: chr2-199328807-TC-GA. GRCh37 (hg19) VCF-style: chr2-200193530-TC-GA.
Other names: c.1276_1277inv, p.Glu426Ser (NM_001172517.1, NM_015265.4); short protein forms E426S.
Identifiers: ClinVar variation 1500832 (VCV001500832.6), ClinGen allele CA2573134300.

ClinVar aggregate classification (germline): Uncertain significance (1 of 4 stars; one submission).

Conditions:
Chromosome 2q32-q33 deletion syndrome (GLASS). Also called: Glass syndrome; 2q33.1 deletion syndrome. Identifiers: Orphanet 251019, MedGen C2676739, MONDO:0012864, OMIM 612313.

Submission:

Labcorp Genetics (formerly Invitae), Labcorp
Classification: Uncertain significance for Chromosome 2q32-q33 deletion syndrome. Last evaluated: 2021-11-01. Review status: criteria provided, single submitter. Criteria: Invitae Variant Classification Sherloc (09022015). Collection method: clinical testing. Allele origin: germline.
Comment: This sequence change replaces glutamic acid, which is acidic and polar, with serine, which is neutral and polar, at codon 426 of the SATB2 protein (p.Glu426Ser). Information on the frequency of this variant in the gnomAD database is not available, as this variant may be reported differently in the database. This variant has not been reported in the literature in individuals affected with SATB2-related conditions. Algorithms developed to predict the effect of missense changes on protein structure and function are either unavailable or do not agree on the potential impact of this missense change (SIFT: "Not Available"; PolyPhen-2: "Possibly Damaging"; Align-GVGD: "Not Available"). In summary, the available evidence is currently insufficient to determine the role of this variant in disease. Therefore, it has been classified as a Variant of Uncertain Significance.